The following is an entry in ClinVar:

ClinVar aggregate classification (germline): Uncertain significance. Review status: reviewed by expert panel (3 of 4 stars). 2 submissions from 2 submitters: Uncertain significance (1). 1 of the submissions does not count toward it. Last evaluated 2025-02-21.

Conditions:
Hereditary antithrombin deficiency (AT3D). Also called: Antithrombin III deficiency; Thrombophilia due to antithrombin III deficiency; Reduced antithrombin III activity; Antithrombin deficiency. Identifiers: Orphanet 82, MedGen C0272375, MONDO:0013144, OMIM 613118, HP:0001976.

Submissions (2):

Clingen Thrombosis Variant Curation Expert Panel, ClinGen
Classification: Uncertain significance for Hereditary antithrombin deficiency. Last evaluated: 2025-02-21. Review status: reviewed by expert panel. Criteria: ClinGen ACMG Specifications SERPINC1 V1.0.0. Collection method: curation. Allele origin: germline. Inheritance: Autosomal dominant inheritance.
Comment: The c.1393T>C variant is predicted to cause a change in the length of the protein (p.Ter465Gln) due to being a stop-loss variant in a non-repeat region (PM4). This variant is absent from gnomAD v2.1.1, v3.1.2 and v4.1.0 (PM2_Supporting). In summary, this variant meets the criteria to be classified as uncertain significance due to insufficient evidence for autosomal dominant hereditary antithrombin deficiency based on the ACMG/AMP criteria applied, as specified by the ClinGen Thrombosis VCEP: PM4, PM2_Supporting. ClinGen Thrombosis Expert Panel Specifications to the ACMG/AMP Variant Interpretation Guidelines for SERPINC1 Version 1.0.0; 2/21/25.

NIHR Bioresource Rare Diseases, University of Cambridge
Classification: Likely pathogenic for Hereditary antithrombin deficiency. Last evaluated: 2019-02-01. Review status: criteria provided, single submitter. Criteria: ACMG Guidelines, 2015. Collection method: research. Allele origin: unknown. Affected: yes. Observed: 1 heterozygote. Study: ThromboGenomics. Not counted in ClinVar's aggregate classification.

Literature cited by the submitters: PubMed 31064749 (cited by NIHR Bioresource Rare Diseases, University of Cambridge).

NM_000488.4(SERPINC1):c.1393T>C (p.Ter465Gln)

Gene: SERPINC1 (serpin family C member 1; minus strand). Cytogenetic location: 1q25.1.
Variant type: single nucleotide variant.
Coding change: c.1393T>C on transcript NM_000488.4 (MANE Select); coding-DNA position 1393, T replaced by C.
Protein change: p.Ter465Gln.
Molecular consequence: stop lost.
Genome position (GRCh38, 1-based): chr1:173,903,891, A>G on the plus strand (T>C on the coding strand, the complement: SERPINC1 is on the minus strand). VCF-style: chr1-173903891-A-G. GRCh37 (hg19) VCF-style: chr1-173873029-A-G.
Other names: *465Q; *417Q; NM_000488.4(SERPINC1):c.1393T>C; p.Ter465Gln; c.1249T>C, p.Ter417Gln (NM_001365052.2); c.1516T>C, p.Ter506Gln (NM_001386302.1); c.1474T>C, p.Ter492Gln (NM_001386303.1); c.1372T>C, p.Ter458Gln (NM_001386304.1); and 2 more.
Identifiers: ClinVar variation 627231 (VCV000627231.3), dbSNP rs1572084425, ClinGen allele CA343771985.